The following is an entry in ClinVar:

ClinVar aggregate classification (germline): Likely benign. Review status: criteria provided, multiple submitters, no conflicts (2 of 4 stars). 2 submissions from 2 submitters: Likely benign (2). Last evaluated 2025-07-01.

gnomAD v4.1: 207 of 1,609,720 alleles (0.013%); highest among the groups gnomAD compares: Non-Finnish European, 0.01%; 1 homozygote.

Submissions (2):

CeGaT Center for Human Genetics Tuebingen
Classification: Likely benign. Last evaluated: 2025-07-01. Review status: criteria provided, single submitter. Criteria: CeGaT Center For Human Genetics Tuebingen Variant Classification Criteria Version 2. Collection method: clinical testing. Allele origin: germline. Affected: yes. Observed: 1 variant allele.
Comment: PKD1: BP4, BP7

Blueprint Genetics
Classification: Likely benign. Last evaluated: 2024-07-02. Review status: criteria provided, single submitter. Criteria: ACMG Guidelines, 2015. Collection method: clinical testing. Allele origin: germline.

NM_001009944.3(PKD1):c.8781G>A (p.Thr2927=)

Gene: PKD1 (polycystin 1, transient receptor potential channel interacting; minus strand). Cytogenetic location: 16p13.3.
Variant type: single nucleotide variant.
Coding change: c.8781G>A on transcript NM_001009944.3 (MANE Select); coding-DNA position 8781, G replaced by A.
Protein change: p.Thr2927=; no amino-acid change (threonine 2927 retained).
Molecular consequence: synonymous variant.
Genome position (GRCh38, 1-based): chr16:2,103,276, C>T on the plus strand (G>A on the coding strand, the complement: PKD1 is on the minus strand). VCF-style: chr16-2103276-C-T. GRCh37 (hg19) VCF-style: chr16-2153277-C-T.
Other names: c.8781G>A, p.Thr2927= (NM_000296.4).
Identifiers: ClinVar variation 4083994 (VCV004083994.9).
Genomic context (GRCh38, chr16:2,103,276, plus strand): 5'-CCCCAAGAACAAGGCCAGGGGGCCGCGTGTGCCCCACCCGCTGCACGCACCGTCCAGCAG[C>T]GTATAGTTGAGCTGCAGATGCAGCCCGGCCGCAGGGTTGCTGCTGTCCAGGGTGACCACA-3'
Protein context (NP_001009944.3, residues 2917-2937): AAGLHLQLNY[Thr2927=]LLDGHYLSEE